The following is an entry in ClinVar:

NM_001194.4(HCN2):c.1854C>T (p.Arg618=)

Gene: HCN2 (hyperpolarization activated cyclic nucleotide gated potassium and sodium channel 2; plus strand). Cytogenetic location: 19p13.3.
Variant type: single nucleotide variant.
Coding change: c.1854C>T on transcript NM_001194.4 (MANE Select); coding-DNA position 1854, C replaced by T.
Protein change: p.Arg618=; no amino-acid change (arginine 618 retained).
Molecular consequence: synonymous variant.
Genome position (GRCh38, 1-based): chr19:613,880, C>T. VCF-style: chr19-613880-C-T. GRCh37 (hg19) VCF-style: chr19-613880-C-T.
Identifiers: ClinVar variation 5000071 (VCV005000071.1).
Genomic context (GRCh38, chr19:613,880, plus strand): 5'-TCCAGCAACCCCCCCCTGCGCGCCACGTGCAGAGATCTGCCTGCTCACCCGGGGCCGCCG[C>T]ACGGCGAGCGTGCGGGCTGACACCTACTGCCGCCTCTATTCGCTGAGCGTGGACAACTTC-3'
Protein context (NP_001185.3, residues 608-628): GEICLLTRGR[Arg618=]TASVRADTYC

ClinVar aggregate classification (germline): Likely benign (1 of 4 stars; one submission).

Conditions:
HCN2-related disorder. Also called: HCN2-related condition.

Submission:

PreventionGenetics, part of Exact Sciences
Classification: Likely benign for HCN2-related condition. Last evaluated: 2024-10-17. Review status: criteria provided, single submitter. Criteria: ACMG Guidelines, 2015. Collection method: clinical testing. Allele origin: germline.
Comment: This variant is classified as likely benign based on ACMG/AMP sequence variant interpretation guidelines (Richards et al. 2015 PMID: 25741868, with internal and published modifications).